The following is an entry in ClinVar:

ClinVar aggregate classification (germline): Likely pathogenic (1 of 4 stars; one submission).

Submission:

Labcorp Genetics (formerly Invitae), Labcorp
Classification: Likely pathogenic. Last evaluated: 2024-02-19. Review status: criteria provided, single submitter. Criteria: Invitae Variant Classification Sherloc (09022015). Collection method: clinical testing. Allele origin: germline.
Comment: This sequence change affects an acceptor splice site in intron 7 of the MUT gene. It is expected to disrupt RNA splicing. Variants that disrupt the donor or acceptor splice site typically lead to a loss of protein function (PMID: 16199547), and loss-of-function variants in MUT are known to be pathogenic (PMID: 15781192). This variant is not present in population databases (gnomAD no frequency). This variant has not been reported in the literature in individuals affected with MUT-related conditions. Algorithms developed to predict the effect of sequence changes on RNA splicing suggest that this variant may disrupt the consensus splice site. In summary, the currently available evidence indicates that the variant is pathogenic, but additional data are needed to prove that conclusively. Therefore, this variant has been classified as Likely Pathogenic.

Literature cited by the submitters: PubMed 16199547; PubMed 15781192.

NM_000255.4(MMUT):c.1445-2A>T

Gene: MMUT (methylmalonyl-CoA mutase; minus strand). Cytogenetic location: 6p12.3.
Variant type: single nucleotide variant.
Coding change: c.1445-2A>T on transcript NM_000255.4 (MANE Select); the canonical splice acceptor site of the intron before coding-DNA position 1445, A replaced by T.
Molecular consequence: splice acceptor variant.
Genome position (GRCh38, 1-based): chr6:49,447,787, T>A on the plus strand (A>T on the coding strand, the complement: MMUT is on the minus strand). VCF-style: chr6-49447787-T-A. GRCh37 (hg19) VCF-style: chr6-49415500-T-A.
Identifiers: ClinVar variation 3642020 (VCV003642020.2).